The following is an entry in ClinVar:

NM_031935.3(HMCN1):c.12536C>T (p.Thr4179Met)

Gene: HMCN1 (hemicentin 1; plus strand). Cytogenetic location: 1q31.1.
Variant type: single nucleotide variant.
Coding change: c.12536C>T on transcript NM_031935.3 (MANE Select); coding-DNA position 12536, C replaced by T.
Protein change: p.Thr4179Met; replaces threonine 4179 with methionine.
Molecular consequence: missense variant.
Genome position (GRCh38, 1-based): chr1:186,125,640, C>T. VCF-style: chr1-186125640-C-T. GRCh37 (hg19) VCF-style: chr1-186094772-C-T.
Other names: short protein forms T4179M.
Identifiers: ClinVar variation 294250 (VCV000294250.13), dbSNP rs147851396, ClinGen allele CA1294389.

ClinVar aggregate classification (germline): Benign/Likely benign. Review status: criteria provided, multiple submitters, no conflicts (2 of 4 stars). 3 submissions from 3 submitters: Benign (1); Likely benign (2). Last evaluated 2025-11-24.

Conditions:
Age related macular degeneration 1 (ARMD1). Also called: MACULOPATHY, AGE-RELATED, 1. Identifiers: MedGen C1864205, MONDO:0011285, OMIM 603075.

Allele frequency attached by ClinVar (database versions not stated): ESP Exome Variant Server 0.00015; gnomAD 0.00026 and 0.00029; TOPMed 0.00043; 1000 Genomes Project 30x 0.00078; 1000 Genomes Project 0.00080; gnomAD exomes 0.00080; ExAC 0.00086.
gnomAD v4.1: 237 of 1,613,178 alleles (0.015%); highest among the groups gnomAD compares: East Asian, 0.47%; 1 homozygote.

Submissions (3):

Labcorp Genetics (formerly Invitae), Labcorp
Classification: Benign. Last evaluated: 2025-11-24. Review status: criteria provided, single submitter. Criteria: Invitae Variant Classification Sherloc (09022015). Collection method: clinical testing. Allele origin: germline.

Genome-Nilou Lab
Classification: Likely benign for Age related macular degeneration 1. Last evaluated: 2023-04-11. Review status: criteria provided, single submitter. Criteria: ACMG Guidelines, 2015. Collection method: clinical testing. Allele origin: germline. Affected: no.

Illumina Laboratory Services, Illumina
Classification: Likely benign for Age related macular degeneration 1. Last evaluated: 2018-01-12. Review status: criteria provided, single submitter. Criteria: ICSL Variant Classification Criteria 13 December 2019. Collection method: clinical testing. Allele origin: germline.
Comment: This variant was observed in the ICSL laboratory as part of a predisposition screen in an ostensibly healthy population. It had not been previously curated by ICSL or reported in the Human Gene Mutation Database (HGMD: prior to June 1st, 2018), and was therefore a candidate for classification through an automated scoring system. Utilizing variant allele frequency, disease prevalence and penetrance estimates, and inheritance mode, an automated score was calculated to assess if this variant is too frequent to cause the disease. Based on the score and internal cut-off values, a variant classified as likely benign is not then subjected to further curation. The score for this variant resulted in a classification of likely benign for this disease.